The following is an entry in ClinVar:

ClinVar aggregate classification (germline): Uncertain significance (1 of 4 stars; one submission).

Submission:

Illumina Laboratory Services, Illumina
Classification: Uncertain significance. Last evaluated: 2021-04-09. Review status: criteria provided, single submitter. Criteria: ICSLVariantClassificationCriteria RUGD 01 April 2020. Collection method: clinical testing. Allele origin: unknown.
Comment: The CLASP1 c.3557C>T (p.Thr1186Ile) variant is a missense variant. A literature search was conducted for the gene, cDNA change, and amino acid change. No publications were identified through this search. The variant is not reported in version 2.1.1 or version 3.1.1 of the Genome Aggregation Database despite its location in a region of good sequencing coverage, which suggests that the variant is rare. Multiple lines of computational evidence predict the variant to have a deleterious impact on the protein, though these predictions have not been confirmed experimentally. Based on the available evidence, the p.Thr1186Ile variant is classified as a variant of uncertain significance.

NM_001395891.1(CLASP1):c.3620C>T (p.Thr1207Ile)

Gene: CLASP1 (cytoplasmic linker associated protein 1; minus strand). Cytogenetic location: 2q14.2.
Variant type: single nucleotide variant.
Coding change: c.3620C>T on transcript NM_001395891.1 (MANE Select); coding-DNA position 3620, C replaced by T.
Protein change: p.Thr1207Ile; replaces threonine 1207 with isoleucine.
Molecular consequence: missense variant.
Genome position (GRCh38, 1-based): chr2:121,377,584, G>A on the plus strand (C>T on the coding strand, the complement: CLASP1 is on the minus strand). VCF-style: chr2-121377584-G-A. GRCh37 (hg19) VCF-style: chr2-122135160-G-A.
Other names: c.3380C>T, p.Thr1127Ile (NM_001142273.2); c.3356C>T, p.Thr1119Ile (NM_001142274.2); c.3374C>T, p.Thr1125Ile (NM_001207051.2, NM_001378005.1); c.3461C>T, p.Thr1154Ile (NM_001378003.1); c.3353C>T, p.Thr1118Ile (NM_001378004.1); c.3557C>T, p.Thr1186Ile (NM_015282.3); short protein forms T1118I, T1119I, T1125I, T1127I, T1154I, T1186I, T1207I.
Identifiers: ClinVar variation 1299446 (VCV001299446.5), dbSNP rs754458736, ClinGen allele CA348167598.